The following is an entry in ClinVar:

NM_003664.5(AP3B1):c.2762A>G (p.Glu921Gly)

Gene: AP3B1 (adaptor related protein complex 3 subunit beta 1; minus strand). Cytogenetic location: 5q14.1.
Variant type: single nucleotide variant.
Coding change: c.2762A>G on transcript NM_003664.5 (MANE Select); coding-DNA position 2762, A replaced by G.
Protein change: p.Glu921Gly; replaces glutamic acid 921 with glycine.
Molecular consequence: missense variant.
Genome position (GRCh38, 1-based): chr5:78,039,090, T>C on the plus strand (A>G on the coding strand, the complement: AP3B1 is on the minus strand). VCF-style: chr5-78039090-T-C. GRCh37 (hg19) VCF-style: chr5-77334914-T-C.
Other names: c.2615A>G, p.Glu872Gly (NM_001271769.2); c.2762A>G (NM_003664.3); short protein forms E921G, E872G.
Identifiers: ClinVar variation 354226 (VCV000354226.39), dbSNP rs753810749, ClinGen allele CA3316691.

ClinVar aggregate classification (germline): Uncertain significance. Review status: criteria provided, multiple submitters, no conflicts (2 of 4 stars). 5 submissions from 5 submitters: Uncertain significance (5). Last evaluated 2026-03-04.

Conditions:
Inborn genetic diseases. Identifiers: MedGen C0950123, MeSH D030342.
Hermansky-Pudlak syndrome 2 (HPS2). Also called: Platelet defects and oculocutaneous albinism. Identifiers: Orphanet 183678, Orphanet 79430, MedGen C1842362, MONDO:0011997, OMIM 608233.

Allele frequency attached by ClinVar (database versions not stated): TOPMed 0.00009; gnomAD exomes 0.00010; gnomAD 0.00011 and 0.00012; ExAC 0.00016.
gnomAD v4.1: 173 of 1,612,076 alleles (0.011%); highest among the groups gnomAD compares: Non-Finnish European, 0.014%; no homozygotes.

Submissions (5):

Women's Health and Genetics/Laboratory Corporation of America, LabCorp
Classification: Uncertain significance. Last evaluated: 2026-03-04. Review status: criteria provided, single submitter. Criteria: LabCorp Variant Classification Summary - May 2015. Collection method: clinical testing. Allele origin: germline.
Comment: Variant summary: AP3B1 c.2762A>G (p.Glu921Gly) results in a non-conservative amino acid change in the encoded protein sequence. Algorithms developed to predict the effect of missense changes on protein structure and function are either unavailable or do not agree on the potential impact of this missense change. The variant allele was found at a frequency of 0.0001 in 250344 control chromosomes. This frequency is not significantly higher than estimated for disease-causing variants in AP3B1, allowing no conclusion about variant significance. To our knowledge, no occurrence of c.2762A>G in individuals affected with AP3B1-related conditions and no experimental evidence demonstrating its impact on protein function have been reported. ClinVar contains an entry for this variant (Variation ID: 354226). Based on the evidence outlined above, the variant was classified as uncertain significance.

Ambry Genetics
Classification: Uncertain significance for Inborn genetic diseases. Last evaluated: 2024-11-13. Review status: criteria provided, single submitter. Criteria: Ambry Variant Classification Scheme 2023. Collection method: clinical testing. Allele origin: germline.

Labcorp Genetics (formerly Invitae), Labcorp
Classification: Uncertain significance for Hermansky-Pudlak syndrome 2. Last evaluated: 2022-10-04. Review status: criteria provided, single submitter. Criteria: Invitae Variant Classification Sherloc (09022015). Collection method: clinical testing. Allele origin: germline.
Comment: This sequence change replaces glutamic acid, which is acidic and polar, with glycine, which is neutral and non-polar, at codon 921 of the AP3B1 protein (p.Glu921Gly). This variant is present in population databases (rs753810749, gnomAD 0.02%). This variant has not been reported in the literature in individuals affected with AP3B1-related conditions. ClinVar contains an entry for this variant (Variation ID: 354226). Algorithms developed to predict the effect of missense changes on protein structure and function output the following: SIFT: "Tolerated"; PolyPhen-2: "Benign"; Align-GVGD: "Class C0". The glycine amino acid residue is found in multiple mammalian species, which suggests that this missense change does not adversely affect protein function. In summary, the available evidence is currently insufficient to determine the role of this variant in disease. Therefore, it has been classified as a Variant of Uncertain Significance.

CeGaT Center for Human Genetics Tuebingen
Classification: Uncertain significance. Last evaluated: 2022-05-01. Review status: criteria provided, single submitter. Criteria: CeGaT Center For Human Genetics Tuebingen Variant Classification Criteria Version 2. Collection method: clinical testing. Allele origin: germline. Affected: yes. Observed: 1 variant allele.
Comment: AP3B1: PM2:Supporting, BP4

Illumina Laboratory Services, Illumina
Classification: Uncertain significance for Hermansky-Pudlak syndrome 2. Last evaluated: 2018-01-13. Review status: criteria provided, single submitter. Criteria: ICSL Variant Classification Criteria 13 December 2019. Collection method: clinical testing. Allele origin: germline.